The following is an entry in ClinVar:

ClinVar aggregate classification (germline): Pathogenic (1 of 4 stars; one submission).

Conditions:
Brown-Vialetto-van Laere syndrome 1. Also called: BULBAR PALSY, PROGRESSIVE, WITH SENSORINEURAL DEAFNESS; PONTOBULBAR PALSY WITH DEAFNESS; BROWN-VIALETTO-VAN LAERE SYNDROME 1, MILD. Identifiers: Orphanet 572550, Orphanet 97229, MedGen C0796274, MONDO:0024537, OMIM 211530.

Submission:

Labcorp Genetics (formerly Invitae), Labcorp
Classification: Pathogenic for Brown-Vialetto-van Laere syndrome 1. Last evaluated: 2025-06-14. Review status: criteria provided, single submitter. Criteria: Invitae Variant Classification Sherloc (09022015). Collection method: clinical testing. Allele origin: germline.
Comment: This sequence change creates a premature translational stop signal (p.Glu249*) in the SLC52A3 gene. It is expected to result in an absent or disrupted protein product. Loss-of-function variants in SLC52A3 are known to be pathogenic (PMID: 20206331, 22824638, 25462087). This variant is not present in population databases (gnomAD no frequency). This variant has not been reported in the literature in individuals affected with SLC52A3-related conditions. For these reasons, this variant has been classified as Pathogenic.

Literature cited by the submitters: PubMed 20206331; PubMed 22824638; PubMed 25462087.

NM_033409.4(SLC52A3):c.745G>T (p.Glu249Ter)

Gene: SLC52A3 (solute carrier family 52 member 3; minus strand). Cytogenetic location: 20p13.
Variant type: single nucleotide variant.
Coding change: c.745G>T on transcript NM_033409.4 (MANE Select); coding-DNA position 745, G replaced by T.
Protein change: p.Glu249Ter; replaces glutamic acid 249 with a stop codon.
Molecular consequence: nonsense.
Genome position (GRCh38, 1-based): chr20:763,826, C>A on the plus strand (G>T on the coding strand, the complement: SLC52A3 is on the minus strand). VCF-style: chr20-763826-C-A. GRCh37 (hg19) VCF-style: chr20-744470-C-A.
Other names: c.745G>T, p.Glu249Ter (NM_001370085.1, NM_001370086.1); short protein forms E249*.
Identifiers: ClinVar variation 4710522 (VCV004710522.1).